The following is an entry in ClinVar:

ClinVar aggregate classification (germline): Uncertain significance (1 of 4 stars; one submission).

Conditions:
Hereditary cancer-predisposing syndrome. Also called: Neoplastic Syndromes, Hereditary; Tumor predisposition; Hereditary neoplastic syndrome; Hereditary Cancer Syndrome. Identifiers: Orphanet 140162, MedGen C0027672, MeSH D009386, MONDO:0015356.

Submission:

Ambry Genetics
Classification: Uncertain significance for Hereditary cancer-predisposing syndrome. Last evaluated: 2026-07-18. Review status: criteria provided, single submitter. Criteria: Ambry Variant Classification Scheme 2023. Collection method: clinical testing. Allele origin: germline.
Comment: The p.Y194H variant (also known as c.580T>C), located in coding exon 5 of the TSC2 gene, results from a T to C substitution at nucleotide position 580. The tyrosine at codon 194 is replaced by histidine, an amino acid with similar properties. This amino acid position is conserved. In addition, this alteration is predicted to be tolerated by in silico analysis. Based on the available evidence, the clinical significance of this variant remains unclear.

NM_000548.5(TSC2):c.580T>C (p.Tyr194His)

Gene: TSC2 (TSC complex subunit 2; plus strand). Cytogenetic location: 16p13.3.
Variant type: single nucleotide variant.
Coding change: c.580T>C on transcript NM_000548.5 (MANE Select); coding-DNA position 580, T replaced by C.
Protein change: p.Tyr194His; replaces tyrosine 194 with histidine.
Molecular consequence: missense variant. On other transcripts: 5 prime UTR variant (13), non-coding transcript variant (5), intron variant (6).
Genome position (GRCh38, 1-based): chr16:2,055,500, T>C. VCF-style: chr16-2055500-T-C. GRCh37 (hg19) VCF-style: chr16-2105501-T-C.
Other names: c.-1068T>C (NM_001406693.1); c.-733T>C (NM_001406694.1, NM_001406695.1); c.-840T>C (NM_001406696.1); c.-852T>C (NM_001406697.1, NM_001406689.1, NM_001406690.1 and 2 more transcripts); c.-1028T>C (NM_001406698.1); c.580T>C, p.Tyr194His (NM_021055.3, NM_001077183.3, NM_001114382.3 and 8 more transcripts); c.-1-696T>C (NM_001406682.1, NM_001406684.1, NM_001406685.1 and 3 more transcripts); c.433T>C, p.Tyr145His (NM_001406676.1, NM_001406679.1, NM_001406675.1 and 1 more transcripts); and 6 more; short protein forms Y194H, Y205H, Y224H, Y40H, Y145H, Y157H, Y175H.
Identifiers: ClinVar variation 5031365 (VCV005031365.1).